The following is an entry in ClinVar:

NM_005120.3(MED12):c.5025+1G>C

Gene: MED12 (mediator complex subunit 12; plus strand). Cytogenetic location: Xq13.1.
Variant type: single nucleotide variant.
Coding change: c.5025+1G>C on transcript NM_005120.3 (MANE Select); the canonical splice donor site of the intron after coding-DNA position 5025, G replaced by C.
Molecular consequence: splice donor variant.
Genome position (GRCh38, 1-based): chrX:71,135,254, G>C. VCF-style: chrX-71135254-G-C. GRCh37 (hg19) VCF-style: chrX-70355104-G-C.
Identifiers: ClinVar variation 2132273 (VCV002132273.4), dbSNP rs2519708972, ClinGen allele CA413533384.

ClinVar aggregate classification (germline): Likely pathogenic (1 of 4 stars; one submission).

Conditions:
FG syndrome (FGS). Identifiers: MedGen C0220769, MONDO:0002010.

Submission:

Labcorp Genetics (formerly Invitae), Labcorp
Classification: Likely pathogenic for FG syndrome. Last evaluated: 2022-04-30. Review status: criteria provided, single submitter. Criteria: Invitae Variant Classification Sherloc (09022015). Collection method: clinical testing. Allele origin: germline.
Comment: In summary, the currently available evidence indicates that the variant is pathogenic, but additional data are needed to prove that conclusively. Therefore, this variant has been classified as Likely Pathogenic. This variant is not present in population databases (gnomAD no frequency). This variant has not been reported in the literature in individuals affected with MED12-related conditions. Algorithms developed to predict the effect of sequence changes on RNA splicing suggest that this variant may disrupt the consensus splice site. This sequence change affects a donor splice site in intron 36 of the MED12 gene. It is expected to disrupt RNA splicing. Variants that disrupt the donor or acceptor splice site typically lead to a loss of protein function (PMID: 16199547), and loss-of-function variants in MED12 are known to be pathogenic (PMID: 33244165, 33244166).

Literature cited by the submitters: PubMed 16199547; PubMed 33244165; PubMed 33244166.